The following is an entry in ClinVar:

ClinVar aggregate classification (germline): Likely benign (1 of 4 stars; one submission).

Submission:

CeGaT Center for Human Genetics Tuebingen
Classification: Likely benign. Last evaluated: 2026-01-01. Review status: criteria provided, single submitter. Criteria: CeGaT Center For Human Genetics Tuebingen Variant Classification Criteria Version 2. Collection method: clinical testing. Allele origin: germline. Affected: yes. Observed: 1 variant allele.
Comment: SPTBN4: PM2:Supporting, BP4, BP7

NM_020971.3(SPTBN4):c.3189G>A (p.Ala1063=)

Gene: SPTBN4 (spectrin beta, non-erythrocytic 4; plus strand). Cytogenetic location: 19q13.2.
Variant type: single nucleotide variant.
Coding change: c.3189G>A on transcript NM_020971.3 (MANE Select); coding-DNA position 3189, G replaced by A.
Protein change: p.Ala1063=; no amino-acid change (alanine 1063 retained).
Molecular consequence: synonymous variant.
Genome position (GRCh38, 1-based): chr19:40,519,686, G>A. VCF-style: chr19-40519686-G-A. GRCh37 (hg19) VCF-style: chr19-41025593-G-A.
Identifiers: ClinVar variation 4821172 (VCV004821172.4).
Genomic context (GRCh38, chr19:40,519,686, plus strand): 5'-GGAGGCAGCCCTGCTGGCTGAGCGCTTCCCGGCGCAGGCGGCGCGGCTGCACCAGGGCGC[G>A]GAGGAGCTGGGCGCCGAGTGGGGCGCGCTAGCTAGCGCGGCTCAGGCCTGCGGCGAGGCG-3'
Protein context (NP_066022.2, residues 1053-1073): PAQAARLHQG[Ala1063=]EELGAEWGAL